The following is an entry in ClinVar:

ClinVar aggregate classification (germline): Uncertain significance (1 of 4 stars; one submission).

Conditions:
Inborn genetic diseases. Identifiers: MedGen C0950123, MeSH D030342.

Allele frequency attached by ClinVar (database versions not stated): 1000 Genomes Project 30x 0.00016; ExAC 0.00016; gnomAD 0.00017; TOPMed 0.00019; 1000 Genomes Project 0.00020; gnomAD exomes 0.00023; ESP Exome Variant Server 0.00038.
gnomAD v4.1: 365 of 1,614,172 alleles (0.023%); highest among the groups gnomAD compares: Non-Finnish European, 0.028%; no homozygotes.

Submission:

Ambry Genetics
Classification: Uncertain significance for Inborn genetic diseases. Last evaluated: 2022-03-24. Review status: criteria provided, single submitter. Criteria: Ambry Variant Classification Scheme 2023. Collection method: clinical testing. Allele origin: germline.
Comment: The c.2086G>A (p.G696S) alteration is located in exon 16 (coding exon 15) of the AP1B1 gene. This alteration results from a G to A substitution at nucleotide position 2086, causing the glycine (G) at amino acid position 696 to be replaced by a serine (S). Based on data from the Genome Aggregation Database (gnomAD) database, the AP1B1 c.2086G>A alteration was observed in 0.02% (52/282878) of total alleles studied, with a frequency of 0.03% (40/129186) in the European (non-Finnish) subpopulation. This variant (designated as NM_001166019 c.2065G>A) was detected in a cohort of individuals with mental illness; however, detailed information was limited (Ganesh, 2019). This amino acid position is not well conserved and serine is the reference amino acid in several species. The p.G696S alteration is predicted to be tolerated by in silico analysis. Based on insufficient or conflicting evidence, the clinical significance of this alteration remains unclear.

Literature cited by the submitters: PubMed 30367527.

NM_001127.4(AP1B1):c.2086G>A (p.Gly696Ser)

Gene: AP1B1 (adaptor related protein complex 1 subunit beta 1; minus strand). Cytogenetic location: 22q12.2.
Variant type: single nucleotide variant.
Coding change: c.2086G>A on transcript NM_001127.4 (MANE Select); coding-DNA position 2086, G replaced by A.
Protein change: p.Gly696Ser; replaces glycine 696 with serine.
Molecular consequence: missense variant.
Genome position (GRCh38, 1-based): chr22:29,339,067, C>T on the plus strand (G>A on the coding strand, the complement: AP1B1 is on the minus strand). VCF-style: chr22-29339067-C-T. GRCh37 (hg19) VCF-style: chr22-29735056-C-T.
Other names: c.2065G>A, p.Gly689Ser (NM_001166019.2, NM_001378563.1, NM_145730.3); c.2086G>A, p.Gly696Ser (NM_001378562.1); c.1915G>A, p.Gly639Ser (NM_001378564.1); c.1894G>A, p.Gly632Ser (NM_001378565.1); c.1879G>A, p.Gly627Ser (NM_001378566.1); short protein forms G632S, G627S, G639S, G696S, G689S.
Identifiers: ClinVar variation 2368741 (VCV002368741.2), dbSNP rs145640648, ClinGen allele CA10172939.
Genomic context (GRCh38, chr22:29,339,067, plus strand): 5'-ATGATCCTGACAGGGTGCCCACGCCACTGGTCAGGTCAAAGAGGTCACTCAGGCCACTGC[C>T]GATGGGTGCTCCAAGATTGGCTGGTACTGCTGCTGTTGGAGGTGCCACGAAGTTGGTGCC-3'
Protein context (NP_001118.3, residues 686-706): AVPANLGAPI[Gly696Ser]SGLSDLFDLT